The following is an entry in ClinVar:

NM_031407.7(HUWE1):c.5794C>T (p.Pro1932Ser)

Gene: HUWE1 (HECT, UBA and WWE domain containing E3 ubiquitin protein ligase 1; minus strand). Cytogenetic location: Xp11.22.
Variant type: single nucleotide variant.
Coding change: c.5794C>T on transcript NM_031407.7 (MANE Select); coding-DNA position 5794, C replaced by T.
Protein change: p.Pro1932Ser; replaces proline 1932 with serine.
Molecular consequence: missense variant.
Genome position (GRCh38, 1-based): chrX:53,576,990, G>A on the plus strand (C>T on the coding strand, the complement: HUWE1 is on the minus strand). VCF-style: chrX-53576990-G-A. GRCh37 (hg19) VCF-style: chrX-53603950-G-A.
Other names: short protein forms P1932S.
Identifiers: ClinVar variation 3389205 (VCV003389205.15).

ClinVar aggregate classification (germline): Conflicting classifications of pathogenicity. Review status: criteria provided, conflicting classifications (1 of 4 stars). 2 submissions from 2 submitters: Uncertain significance (1); Likely benign (1). Last evaluated 2025-12-16.

Submissions (2):

Labcorp Genetics (formerly Invitae), Labcorp
Classification: Uncertain significance. Last evaluated: 2025-12-16. Review status: criteria provided, single submitter. Criteria: Invitae Variant Classification Sherloc (09022015). Collection method: clinical testing. Allele origin: germline.
Comment: This sequence change replaces proline, which is neutral and non-polar, with serine, which is neutral and polar, at codon 1932 of the HUWE1 protein (p.Pro1932Ser). This variant is not present in population databases (gnomAD no frequency). This variant has not been reported in the literature in individuals affected with HUWE1-related conditions. ClinVar contains an entry for this variant (Variation ID: 3389205). Invitae Evidence Modeling of protein sequence and biophysical properties (such as structural, functional, and spatial information, amino acid conservation, physicochemical variation, residue mobility, and thermodynamic stability) has been performed for this missense variant. However, the output from this modeling did not meet the statistical confidence thresholds required to predict the impact of this variant on HUWE1 protein function. In summary, the available evidence is currently insufficient to determine the role of this variant in disease. Therefore, it has been classified as a Variant of Uncertain Significance.

CeGaT Center for Human Genetics Tuebingen
Classification: Likely benign. Last evaluated: 2024-11-01. Review status: criteria provided, single submitter. Criteria: CeGaT Center For Human Genetics Tuebingen Variant Classification Criteria Version 2. Collection method: clinical testing. Allele origin: germline. Affected: yes. Observed: 1 variant allele.
Comment: HUWE1: BS2